The following is an entry in ClinVar:

NM_015693.4(INTU):c.768+1G>A

Gene: INTU (inturned planar cell polarity protein; plus strand). Cytogenetic location: 4q28.1.
Variant type: single nucleotide variant.
Coding change: c.768+1G>A on transcript NM_015693.4 (MANE Select); the canonical splice donor site of the intron after coding-DNA position 768, G replaced by A.
Molecular consequence: splice donor variant.
Genome position (GRCh38, 1-based): chr4:127,656,722, G>A. VCF-style: chr4-127656722-G-A. GRCh37 (hg19) VCF-style: chr4-128577877-G-A.
Identifiers: ClinVar variation 4781126 (VCV004781126.1).

ClinVar aggregate classification (germline): Uncertain significance (1 of 4 stars; one submission).

gnomAD v4.1: 1 of 1,562,412 alleles (0.000064%); highest among the groups gnomAD compares: East Asian, 0.0022%; no homozygotes.

Submission:

Labcorp Genetics (formerly Invitae), Labcorp
Classification: Uncertain significance. Last evaluated: 2025-05-27. Review status: criteria provided, single submitter. Criteria: Invitae Variant Classification Sherloc (09022015). Collection method: clinical testing. Allele origin: germline.
Comment: This sequence change affects a donor splice site in intron 3 of the INTU gene. It is expected to disrupt RNA splicing. Variants that disrupt the donor or acceptor splice site typically lead to a loss of protein function (PMID: 16199547), however the current clinical and genetic evidence is not sufficient to establish whether loss-of-function variants in INTU cause disease. This variant is not present in population databases (gnomAD no frequency). This variant has not been reported in the literature in individuals affected with INTU-related conditions. Algorithms developed to predict the effect of sequence changes on RNA splicing suggest that this variant may disrupt the consensus splice site. In summary, the available evidence is currently insufficient to determine the role of this variant in disease. Therefore, it has been classified as a Variant of Uncertain Significance.

Literature cited by the submitters: PubMed 16199547.